The following is an entry in ClinVar:

NM_000059.4(BRCA2):c.1407T>G (p.Asp469Glu)

Gene: BRCA2 (BRCA2 DNA repair associated; plus strand). Cytogenetic location: 13q13.1.
Variant type: single nucleotide variant.
Coding change: c.1407T>G on transcript NM_000059.4 (MANE Select); coding-DNA position 1407, T replaced by G.
Protein change: p.Asp469Glu; replaces aspartic acid 469 with glutamic acid.
Molecular consequence: missense variant. On other transcripts: non-coding transcript variant (1), intron variant (1).
Genome position (GRCh38, 1-based): chr13:32,332,885, T>G. VCF-style: chr13-32332885-T-G. GRCh37 (hg19) VCF-style: chr13-32907022-T-G.
Other names: c.1407T>G, p.Asp469Glu (NM_001406719.1, NM_001406720.1, NM_001406721.1 and 1 more transcripts); c.424+1855T>G (NM_001406722.1); short protein forms D469E.
Identifiers: ClinVar variation 4824547 (VCV004824547.1).
Genomic context (GRCh38, chr13:32,332,885, plus strand): 5'-TTCTAGCCTACCAAAATCAGAGAAGCCATTAAATGAGGAAACAGTGGTAAATAAGAGAGA[T>G]GAAGAGCAGCATCTTGAATCTCATACAGACTGCATTCTTGCAGTAAAGCAGGCAATATCT-3'
Protein context (NP_000050.3, residues 459-479): LNEETVVNKR[Asp469Glu]EEQHLESHTD

ClinVar aggregate classification (germline): Uncertain significance (1 of 4 stars; one submission).

Conditions:
Hereditary cancer-predisposing syndrome. Also called: Neoplastic Syndromes, Hereditary; Hereditary neoplastic syndrome; Tumor predisposition; Hereditary Cancer Syndrome. Identifiers: Orphanet 140162, MedGen C0027672, MeSH D009386, MONDO:0015356.

Submission:

Ambry Genetics
Classification: Uncertain significance for Hereditary cancer-predisposing syndrome. Last evaluated: 2026-02-15. Review status: criteria provided, single submitter. Criteria: Ambry Variant Classification Scheme 2023. Collection method: clinical testing. Allele origin: germline.
Comment: The p.D469E variant (also known as c.1407T>G), located in coding exon 9 of the BRCA2 gene, results from a T to G substitution at nucleotide position 1407. The aspartic acid at codon 469 is replaced by glutamic acid, an amino acid with highly similar properties. This amino acid position is conserved. In addition, this alteration is predicted to be tolerated by in silico analysis. Based on the available evidence, the clinical significance of this variant remains unclear.